The following is an entry in ClinVar:

NM_000784.4(CYP27A1):c.1334A>G (p.Gln445Arg)

Gene: CYP27A1 (cytochrome P450 family 27 subfamily A member 1; plus strand). Cytogenetic location: 2q35.
Variant type: single nucleotide variant.
Coding change: c.1334A>G on transcript NM_000784.4 (MANE Select); coding-DNA position 1334, A replaced by G.
Protein change: p.Gln445Arg; replaces glutamine 445 with arginine.
Molecular consequence: missense variant.
Genome position (GRCh38, 1-based): chr2:218,814,615, A>G. VCF-style: chr2-218814615-A-G. GRCh37 (hg19) VCF-style: chr2-219679338-A-G.
Other names: short protein forms Q445R.
Identifiers: ClinVar variation 1414565 (VCV001414565.5), dbSNP rs765660985, ClinGen allele CA2112876.

ClinVar aggregate classification (germline): Uncertain significance (1 of 4 stars; one submission).

Conditions:
Cholestanol storage disease (CTX). Also called: Cerebrotendinous Xanthomatosis; CTX: Cerebrotendinous xanthomatosis; CEREBRAL CHOLESTERINOSIS. Identifiers: Orphanet 909, MedGen C0238052, MONDO:0008948, OMIM 213700.

Allele frequency attached by ClinVar (database versions not stated): ExAC 0.00001; gnomAD 0.00001; gnomAD exomes 0.00001.
gnomAD v4.1: 9 of 1,614,076 alleles (0.00056%); highest among the groups gnomAD compares: Non-Finnish European, 0.00068%; no homozygotes.

Submission:

Labcorp Genetics (formerly Invitae), Labcorp
Classification: Uncertain significance for Cholestanol storage disease. Last evaluated: 2021-08-14. Review status: criteria provided, single submitter. Criteria: Invitae Variant Classification Sherloc (09022015). Collection method: clinical testing. Allele origin: germline.
Comment: This sequence change replaces glutamine with arginine at codon 445 of the CYP27A1 protein (p.Gln445Arg). The glutamine residue is weakly conserved and there is a small physicochemical difference between glutamine and arginine. This variant is present in population databases (rs765660985, ExAC 0.002%). This variant has not been reported in the literature in individuals affected with CYP27A1-related conditions. Advanced modeling of protein sequence and biophysical properties (such as structural, functional, and spatial information, amino acid conservation, physicochemical variation, residue mobility, and thermodynamic stability) performed at Invitae indicates that this missense variant is not expected to disrupt CYP27A1 protein function. In summary, the available evidence is currently insufficient to determine the role of this variant in disease. Therefore, it has been classified as a Variant of Uncertain Significance.